The following is an entry in ClinVar:

ClinVar aggregate classification (germline): Uncertain significance (1 of 4 stars; one submission).

Conditions:
Usher syndrome type 1 (USH1). Also called: RETINITIS PIGMENTOSA AND CONGENITAL DEAFNESS. Identifiers: Orphanet 231169, Orphanet 886, MedGen C1568247, MONDO:0010168, OMIM 276900.

Submission:

Myriad Genetics, Inc.
Classification: Uncertain significance for Usher syndrome type 1. Last evaluated: 2025-07-25. Review status: criteria provided, single submitter. Criteria: Myriad Autosomal Dominant, Autosomal Recessive and X-Linked Classification Criteria (2023). Collection method: clinical testing. Allele origin: unknown.
Comment: NM_000260.3(MYO7A):c.1812_1817dup6(K605_R606dup) is an in-frame insertion classified as a variant of uncertain significance in the context of MYO7A-related disorders. K605_R606dup has not been observed in cases with relevant disease. Relevant functional assessments of this variant are not available in the literature. K605_R606dup has not been observed in referenced population frequency databases. In summary, there is insufficient evidence to classify NM_000260.3(MYO7A):c.1812_1817dup6(K605_R606dup) as pathogenic or benign. Please note: this variant was assessed in the context of healthy population screening.

NM_000260.4(MYO7A):c.1812_1817dup (p.Arg606_Ser607insLysArg)

Gene: MYO7A (myosin VIIA; plus strand). Cytogenetic location: 11q13.5.
Variant type: Duplication.
Coding change: c.1812_1817dup on transcript NM_000260.4 (MANE Select); coding-DNA positions 1812 to 1817, 6 bases duplicated (GAAGCG; older notation c.1812_1817dupGAAGCG).
Protein change: p.Arg606_Ser607insLysArg.
Molecular consequence: inframe insertion.
Genome position (GRCh38, 1-based): chr11:77,172,762-77,172,767, GAAGCG duplicated; duplicating any 6 consecutive bases within chr11:77,172,761-77,172,767 gives the same sequence; the c. name uses the placement nearest the transcript's 3' end. VCF-style (leftmost placement, unchanged base first): chr11-77172760-A-AGGAAGC. GRCh37 (hg19) VCF-style: chr11-76883806-A-AGGAAGC.
Other names: c.1812_1817dup, p.Arg606_Ser607insLysArg (NM_001127180.2); c.1779_1784dup, p.Arg595_Ser596insLysArg (NM_001369365.1).
Identifiers: ClinVar variation 5004085 (VCV005004085.1).